The following is an entry in ClinVar:

ClinVar aggregate classification (germline): Uncertain significance (1 of 4 stars; one submission).

Allele frequency attached by ClinVar (database versions not stated): gnomAD 0.00001; gnomAD exomes 0.00001; TOPMed 0.00002.
gnomAD v4.1: 22 of 1,591,366 alleles (0.0014%); highest among the groups gnomAD compares: Non-Finnish European, 0.0018%; no homozygotes.

Submission:

Ambry Genetics
Classification: Uncertain significance. Last evaluated: 2024-10-20. Review status: criteria provided, single submitter. Criteria: Ambry Variant Classification Scheme 2023. Collection method: clinical testing. Allele origin: germline.
Comment: The p.A364T variant (also known as c.1090G>A), located in coding exon 3 of the PALLD gene, results from a G to A substitution at nucleotide position 1090. The alanine at codon 364 is replaced by threonine, an amino acid with similar properties. This amino acid position is conserved. In addition, this alteration is predicted to be tolerated by in silico analysis. Since supporting evidence is limited at this time, the clinical significance of this alteration remains unclear.

NM_001166108.2(PALLD):c.1090G>A (p.Ala364Thr)

Gene: PALLD (palladin, cytoskeletal associated protein; plus strand). Cytogenetic location: 4q32.3.
Variant type: single nucleotide variant.
Coding change: c.1090G>A on transcript NM_001166108.2 (MANE Select); coding-DNA position 1090, G replaced by A.
Protein change: p.Ala364Thr; replaces alanine 364 with threonine.
Molecular consequence: missense variant. On other transcripts: 5 prime UTR variant (1).
Genome position (GRCh38, 1-based): chr4:168,681,334, G>A. VCF-style: chr4-168681334-G-A. GRCh37 (hg19) VCF-style: chr4-169602485-G-A.
Other names: c.-57G>A (NM_001166109.2); c.1090G>A, p.Ala364Thr (NM_016081.4); short protein forms A364T.
Identifiers: ClinVar variation 1789239 (VCV001789239.3), dbSNP rs1226780710, ClinGen allele CA358793985.